The following is an entry in ClinVar:

NM_152515.5(CKAP2L):c.162T>G (p.Ile54Met)

Gene: CKAP2L (cytoskeleton associated protein 2L; minus strand). Cytogenetic location: 2q14.1.
Variant type: single nucleotide variant.
Coding change: c.162T>G on transcript NM_152515.5 (MANE Select); coding-DNA position 162, T replaced by G.
Protein change: p.Ile54Met; replaces isoleucine 54 with methionine.
Molecular consequence: missense variant. On other transcripts: non-coding transcript variant (1), intron variant (1).
Genome position (GRCh38, 1-based): chr2:112,757,209, A>C on the plus strand (T>G on the coding strand, the complement: CKAP2L is on the minus strand). VCF-style: chr2-112757209-A-C. GRCh37 (hg19) VCF-style: chr2-113514786-A-C.
Other names: c.-280-54T>G (NM_001304361.2); short protein forms I54M.
Identifiers: ClinVar variation 775178 (VCV000775178.33), dbSNP rs201346406, ClinGen allele CA1836897.

ClinVar aggregate classification (germline): Conflicting classifications of pathogenicity. Review status: criteria provided, conflicting classifications (1 of 4 stars). 3 submissions from 3 submitters: Uncertain significance (1); Likely benign (2). Last evaluated 2026-01-06.

Conditions:
Filippi syndrome (FLPIS). Identifiers: Orphanet 3255, MedGen C0795940, MONDO:0010092, OMIM 272440.

Allele frequency attached by ClinVar (database versions not stated): ESP Exome Variant Server 0.00015; gnomAD 0.00023 and 0.00025; TOPMed 0.00025; gnomAD exomes 0.00026 and 0.00045; ExAC 0.00059.
gnomAD v4.1: 427 of 1,572,104 alleles (0.027%); highest among the groups gnomAD compares: Middle Eastern, 0.7%; 2 homozygotes.

Submissions (3):

Labcorp Genetics (formerly Invitae), Labcorp
Classification: Likely benign. Last evaluated: 2026-01-06. Review status: criteria provided, single submitter. Criteria: Invitae Variant Classification Sherloc (09022015). Collection method: clinical testing. Allele origin: germline.

CeGaT Center for Human Genetics Tuebingen
Classification: Likely benign. Last evaluated: 2023-10-01. Review status: criteria provided, single submitter. Criteria: CeGaT Center For Human Genetics Tuebingen Variant Classification Criteria Version 2. Collection method: clinical testing. Allele origin: germline. Affected: yes. Observed: 1 variant allele.
Comment: CKAP2L: BP4

Baylor Genetics
Classification: Uncertain significance for Filippi syndrome. Last evaluated: 2019-12-24. Review status: criteria provided, single submitter. Criteria: ACMG Guidelines, 2015. Collection method: clinical testing. Allele origin: unknown. Affected: yes.
Comment: This variant was determined to be of uncertain significance according to ACMG Guidelines, 2015 [PMID:25741868].